The following is an entry in ClinVar:

ClinVar aggregate classification (germline): Likely benign (1 of 4 stars; one submission).

Allele frequency attached by ClinVar (database versions not stated): ExAC 0.00003; gnomAD 0.00006; gnomAD exomes 0.00006; ESP Exome Variant Server 0.00008; TOPMed 0.00009.
gnomAD v4.1: 107 of 1,611,268 alleles (0.0066%); highest among the groups gnomAD compares: Middle Eastern, 0.033%; no homozygotes.

Submission:

CeGaT Center for Human Genetics Tuebingen
Classification: Likely benign. Last evaluated: 2023-03-01. Review status: criteria provided, single submitter. Criteria: CeGaT Center For Human Genetics Tuebingen Variant Classification Criteria Version 2. Collection method: clinical testing. Allele origin: germline. Affected: yes. Observed: 1 variant allele.
Comment: SPTBN5: BP4, BP7

NM_016642.4(SPTBN5):c.5970G>A (p.Ala1990=)

Gene: SPTBN5 (spectrin beta, non-erythrocytic 5; minus strand). Cytogenetic location: 15q15.1.
Variant type: single nucleotide variant.
Coding change: c.5970G>A on transcript NM_016642.4 (MANE Select); coding-DNA position 5970, G replaced by A.
Protein change: p.Ala1990=; no amino-acid change (alanine 1990 retained).
Molecular consequence: synonymous variant.
Genome position (GRCh38, 1-based): chr15:41,868,485, C>T on the plus strand (G>A on the coding strand, the complement: SPTBN5 is on the minus strand). VCF-style: chr15-41868485-C-T. GRCh37 (hg19) VCF-style: chr15-42160683-C-T.
Identifiers: ClinVar variation 2645219 (VCV002645219.24), dbSNP rs375029179, ClinGen allele CA7502771.